The following is an entry in ClinVar:

ClinVar aggregate classification (germline): Uncertain significance (1 of 4 stars; one submission).

gnomAD v4.1: 3 of 1,606,196 alleles (0.00019%); highest among the groups gnomAD compares: Admixed American, 0.005%; no homozygotes.

Submission:

GeneDx
Classification: Uncertain significance. Last evaluated: 2023-10-27. Review status: criteria provided, single submitter. Criteria: GeneDx Variant Classification Process June 2021. Collection method: clinical testing. Allele origin: germline. Affected: yes.
Comment: Not observed at significant frequency in large population cohorts (gnomAD); In silico analysis supports that this missense variant does not alter protein structure/function; Has not been previously published as pathogenic or benign to our knowledge

NM_000081.4(LYST):c.5681A>T (p.Glu1894Val)

Gene: LYST (lysosomal trafficking regulator; minus strand). Cytogenetic location: 1q42.3.
Variant type: single nucleotide variant.
Coding change: c.5681A>T on transcript NM_000081.4 (MANE Select); coding-DNA position 5681, A replaced by T.
Protein change: p.Glu1894Val; replaces glutamic acid 1894 with valine.
Molecular consequence: missense variant.
Genome position (GRCh38, 1-based): chr1:235,773,945, T>A on the plus strand (A>T on the coding strand, the complement: LYST is on the minus strand). VCF-style: chr1-235773945-T-A. GRCh37 (hg19) VCF-style: chr1-235937245-T-A.
Other names: c.5681A>T, p.Glu1894Val (NM_001301365.1); short protein forms E1894V.
Identifiers: ClinVar variation 3363514 (VCV003363514.1).